The following is an entry in ClinVar:

NM_020312.4(COQ9):c.*456C>A

Gene: COQ9 (coenzyme Q9; plus strand). Cytogenetic location: 16q21.
Variant type: single nucleotide variant.
Coding change: c.*456C>A on transcript NM_020312.4 (MANE Select); 456 bases downstream of the stop codon, C replaced by A.
Molecular consequence: 3 prime UTR variant.
Genome position (GRCh38, 1-based): chr16:57,461,080, C>A. VCF-style: chr16-57461080-C-A. GRCh37 (hg19) VCF-style: chr16-57494992-C-A.
Identifiers: ClinVar variation 320014 (VCV000320014.6), dbSNP rs223869, ClinGen allele CA10638113.

ClinVar aggregate classification (germline): Benign. Review status: criteria provided, multiple submitters, no conflicts (2 of 4 stars). 2 submissions from 2 submitters: Benign (2). Last evaluated 2018-01-13.

Conditions:
Encephalopathy-hypertrophic cardiomyopathy-renal tubular disease syndrome. Identifiers: Orphanet 319678, MedGen C3553374, MONDO:0013840, OMIM 614654.

Allele frequency attached by ClinVar (database versions not stated): gnomAD 0.11358; 1000 Genomes Project 0.11641; 1000 Genomes Project 30x 0.11961; TOPMed 0.12780.
gnomAD v4.1: 40,977 of 445,216 alleles (9.2%); highest among the groups gnomAD compares: African/African-American, 25%; 2,825 homozygotes.

Submissions (2):

Illumina Laboratory Services, Illumina
Classification: Benign for Encephalopathy-hypertrophic cardiomyopathy-renal tubular disease syndrome. Last evaluated: 2018-01-13. Review status: criteria provided, single submitter. Criteria: ICSL Variant Classification Criteria 13 December 2019. Collection method: clinical testing. Allele origin: germline.
Comment: This variant was observed in the ICSL laboratory as part of a predisposition screen in an ostensibly healthy population. It had not been previously curated by ICSL or reported in the Human Gene Mutation Database (HGMD: prior to June 1st, 2018), and was therefore a candidate for classification through an automated scoring system. Utilizing variant allele frequency, disease prevalence and penetrance estimates, and inheritance mode, an automated score was calculated to assess if this variant is too frequent to cause the disease. Based on the score and internal cut-off values, a variant classified as benign is not then subjected to further curation. The score for this variant resulted in a classification of benign for this disease.

Breakthrough Genomics
Classification: Benign. Review status: criteria provided, single submitter. Criteria: ACMG Guidelines, 2015. Collection method: not provided. Allele origin: germline. Inheritance: Autosomal recessive inheritance. Affected: yes.